The following is an entry in ClinVar:

ClinVar aggregate classification (germline): Uncertain significance (0 of 4 stars; one submission).

Conditions:
Prostate cancer. Also called: Malignant tumor of prostate. Identifiers: Orphanet 1331, MedGen C0376358, MONDO:0008315, HP:0012125.

Submission:

Science for Life laboratory,  Karolinska Institutet
Classification: Uncertain significance for Malignant tumor of prostate. Review status: no assertion criteria provided. Collection method: not provided. Allele origin: somatic.
Comment: TumorID:SWE-4
ClinVar note: Converted during submission from Unknown to Uncertain significance.

NM_001384657.1(ARHGAP20):c.464T>C (p.Val155Ala)

Gene: ARHGAP20 (Rho GTPase activating protein 20; minus strand). Cytogenetic location: 11q23.1.
Variant type: single nucleotide variant.
Coding change: c.464T>C on transcript NM_001384657.1 (MANE Select); coding-DNA position 464, T replaced by C.
Protein change: p.Val155Ala; replaces valine 155 with alanine.
Molecular consequence: missense variant.
Genome position (GRCh38, 1-based): chr11:110,624,201, A>G on the plus strand (T>C on the coding strand, the complement: ARHGAP20 is on the minus strand). VCF-style: chr11-110624201-A-G. GRCh37 (hg19) VCF-style: chr11-110494925-A-G.
Other names: c.395T>C, p.Val132Ala (NM_001258415.2); c.386T>C, p.Val129Ala (NM_001258416.2); c.356T>C, p.Val119Ala (NM_001258417.2, NM_001258418.2); c.464T>C, p.Val155Ala (NM_020809.4); short protein forms V155A, V119A, V129A, V132A.
Identifiers: ClinVar variation 161737 (VCV000161737.2), dbSNP rs193920992, ClinGen allele CA174694.